The following is an entry in ClinVar:

NC_000001.10:g.(?_119427355)_(119474342_?)dup

Gene: TBX15 (T-box transcription factor 15; minus strand). Cytogenetic location: 1p12.
Variant type: Duplication.
Identifiers: ClinVar variation 3248026 (VCV003248026.1).

ClinVar aggregate classification (germline): Uncertain significance (1 of 4 stars; one submission).

Submission:

Labcorp Genetics (formerly Invitae), Labcorp
Classification: Uncertain significance. Last evaluated: 2023-06-23. Review status: criteria provided, single submitter. Criteria: Invitae Variant Classification Sherloc (09022015). Collection method: clinical testing. Allele origin: unknown.
Comment: A copy number gain of the genomic region encompassing the full coding sequence of the TBX15 gene has been identified. The boundaries of this event are unknown as they extend beyond the assayed region for this gene and therefore may encompass additional genes. As the precise location of this event is unknown, it may be in tandem or it may be located elsewhere in the genome. This variant has not been reported in the literature in individuals affected with TBX15-related conditions. In summary, the available evidence is currently insufficient to determine the role of this variant in disease. Therefore, it has been classified as a Variant of Uncertain Significance.